The following is an entry in ClinVar:

ClinVar aggregate classification (germline): Likely benign. Review status: criteria provided, multiple submitters, no conflicts (2 of 4 stars). 4 submissions from 4 submitters: Likely benign (4). Last evaluated 2024-02-01.

Conditions:
Familial thoracic aortic aneurysm and aortic dissection (TAAD). Also called: Thoracic aortic aneurysms and dissections. Identifiers: Orphanet 91387, MedGen C4707243, MONDO:0019625.

Allele frequency attached by ClinVar (database versions not stated): TOPMed 0.00001.
gnomAD v4.1: 2 of 1,614,070 alleles (0.00012%); highest among the groups gnomAD compares: Non-Finnish European, 0.00017%; no homozygotes.

Submissions (4):

CeGaT Center for Human Genetics Tuebingen
Classification: Likely benign. Last evaluated: 2024-02-01. Review status: criteria provided, single submitter. Criteria: CeGaT Center For Human Genetics Tuebingen Variant Classification Criteria Version 2. Collection method: clinical testing. Allele origin: germline. Affected: yes. Observed: 1 variant allele.
Comment: MYH11: BP4, BP7

All of Us Research Program, National Institutes of Health
Classification: Likely benign for Familial thoracic aortic aneurysm and aortic dissection. Last evaluated: 2023-02-15. Review status: criteria provided, single submitter. Criteria: ACMG Guidelines, 2015. Collection method: clinical testing. Allele origin: germline. Inheritance: Autosomal dominant inheritance. Observed: 1 variant allele, 1 heterozygote.
Comment: This study involves interpretation of variants in research participants for the purpose of population health screening. Participant phenotype was not available at the time of variant classification. Additional details can be found in publication PMID: 35346344, PMCID: PMC8962531

Color Diagnostics, LLC DBA Color Health
Classification: Likely benign for Familial thoracic aortic aneurysm and aortic dissection. Last evaluated: 2023-01-18. Review status: criteria provided, single submitter. Criteria: ACMG Guidelines, 2015. Collection method: clinical testing. Allele origin: germline.

GeneDx
Classification: Likely benign. Last evaluated: 2016-11-29. Review status: criteria provided, single submitter. Criteria: GeneDx Variant Classification (06012015). Collection method: clinical testing. Allele origin: germline. Affected: yes.
Comment: This variant is considered likely benign or benign based on one or more of the following criteria: it is a conservative change, it occurs at a poorly conserved position in the protein, it is predicted to be benign by multiple in silico algorithms, and/or has population frequency not consistent with disease.

NM_002474.3(MYH11):c.2157C>A (p.Ile719=)

Gene: MYH11 (myosin heavy chain 11; minus strand). Cytogenetic location: 16p13.11.
Variant type: single nucleotide variant.
Coding change: c.2157C>A on transcript NM_002474.3 (MANE Select); coding-DNA position 2157, C replaced by A.
Protein change: p.Ile719=; no amino-acid change (isoleucine 719 retained).
Molecular consequence: synonymous variant.
Genome position (GRCh38, 1-based): chr16:15,748,070, G>T on the plus strand (C>A on the coding strand, the complement: MYH11 is on the minus strand). VCF-style: chr16-15748070-G-T. GRCh37 (hg19) VCF-style: chr16-15841927-G-T.
Other names: c.2178C>A, p.Ile726= (NM_001040113.2, NM_001040114.2); c.2157C>A, p.Ile719= (NM_022844.3).
Identifiers: ClinVar variation 391255 (VCV000391255.25), dbSNP rs561099193, ClinGen allele CA16607121.
Genomic context (GRCh38, chr16:15,748,070, plus strand): 5'-ACCCCCTGCCCTACCTGGGCCAGACCTTGGGACTTACCGTTGGCGGAACTCCTGGAAGAC[G>T]ATCCGGTTGGGGAAGCCCTGCCGGCAGATGCGAATGCCTTCCAGCACCCCATTGCACCGC-3'
Protein context (NP_002465.1, residues 709-729): RICRQGFPNR[Ile719=]VFQEFRQRYE